The following is an entry in ClinVar:

ClinVar aggregate classification (germline): Uncertain significance (1 of 4 stars; one submission).

Conditions:
Marfan syndrome (MFS). Also called: MARFAN SYNDROME, TYPE I; Marfan syndrome type 1; Marfan's syndrome; Marfan syndrome, classic; FBN1-Related Marfan Syndrome. Identifiers: Orphanet 284963, Orphanet 558, MedGen C0024796, MONDO:0007947, OMIM 154700.
Familial thoracic aortic aneurysm and aortic dissection (TAAD). Also called: Thoracic aortic aneurysms and dissections. Identifiers: Orphanet 91387, MedGen C4707243, MONDO:0019625.

Submission:

Labcorp Genetics (formerly Invitae), Labcorp
Classification: Uncertain significance for Marfan syndrome; Familial thoracic aortic aneurysm and aortic dissection. Last evaluated: 2024-09-20. Review status: criteria provided, single submitter. Criteria: Invitae Variant Classification Sherloc (09022015). Collection method: clinical testing. Allele origin: germline.
Comment: This sequence change replaces aspartic acid, which is acidic and polar, with asparagine, which is neutral and polar, at codon 1707 of the FBN1 protein (p.Asp1707Asn). This variant is not present in population databases (gnomAD no frequency). This variant has not been reported in the literature in individuals affected with FBN1-related conditions. Invitae Evidence Modeling of protein sequence and biophysical properties (such as structural, functional, and spatial information, amino acid conservation, physicochemical variation, residue mobility, and thermodynamic stability) indicates that this missense variant is expected to disrupt FBN1 protein function with a positive predictive value of 95%. In summary, the available evidence is currently insufficient to determine the role of this variant in disease. Therefore, it has been classified as a Variant of Uncertain Significance.

NM_000138.5(FBN1):c.5119G>A (p.Asp1707Asn)

Gene: FBN1 (fibrillin 1; minus strand). Cytogenetic location: 15q21.1.
Variant type: single nucleotide variant.
Coding change: c.5119G>A on transcript NM_000138.5 (MANE Select); coding-DNA position 5119, G replaced by A.
Protein change: p.Asp1707Asn; replaces aspartic acid 1707 with asparagine.
Molecular consequence: missense variant.
Genome position (GRCh38, 1-based): chr15:48,463,187, C>T on the plus strand (G>A on the coding strand, the complement: FBN1 is on the minus strand). VCF-style: chr15-48463187-C-T. GRCh37 (hg19) VCF-style: chr15-48755384-C-T.
Other names: c.5119G>A, p.Asp1707Asn (NM_001406716.1); short protein forms D1707N.
Identifiers: ClinVar variation 3761207 (VCV003761207.2).